The following is an entry in ClinVar:

ClinVar aggregate classification (germline): Uncertain significance. Review status: criteria provided, multiple submitters, no conflicts (2 of 4 stars). 2 submissions from 2 submitters: Uncertain significance (2). Last evaluated 2026-05-29.

Conditions:
Hereditary cancer-predisposing syndrome. Also called: Neoplastic Syndromes, Hereditary; Tumor predisposition; Hereditary Cancer Syndrome; Hereditary neoplastic syndrome. Identifiers: Orphanet 140162, MedGen C0027672, MeSH D009386, MONDO:0015356.

Submissions (2):

Ambry Genetics
Classification: Uncertain significance for Hereditary cancer-predisposing syndrome. Last evaluated: 2026-05-29. Review status: criteria provided, single submitter. Criteria: Ambry Variant Classification Scheme 2023. Collection method: clinical testing. Allele origin: germline.
Comment: The c.469-2A>G intronic variant results from an A to G substitution two nucleotides upstream from coding exon 4 in the CTNNA1 gene. This nucleotide position is highly conserved in available vertebrate species. In silico splice site analysis predicts that this alteration will weaken the native splice acceptor site. RNA studies have demonstrated that this alteration results in a transcript predicted to lead to a protein with an in-frame deletion; however, the exact functional impact of the deleted amino acids is unknown at this time (Ambry internal data). Based on the available evidence, the clinical significance of this variant remains unclear.

Labcorp Genetics (formerly Invitae), Labcorp
Classification: Uncertain significance. Last evaluated: 2025-02-10. Review status: criteria provided, single submitter. Criteria: Invitae Variant Classification Sherloc (09022015). Collection method: clinical testing. Allele origin: germline.
Comment: This sequence change affects an acceptor splice site in intron 4 of the CTNNA1 gene. RNA analysis indicates that disruption of this splice site induces altered splicing and likely results in a shortened protein product. This variant is not present in population databases (gnomAD no frequency). This variant has not been reported in the literature in individuals affected with CTNNA1-related conditions. ClinVar contains an entry for this variant (Variation ID: 1354711). Studies have shown that disruption of this splice site results in skipping of exon 5, but is expected to preserve the integrity of the reading-frame (internal data). In summary, the available evidence is currently insufficient to determine the role of this variant in disease. Therefore, it has been classified as a Variant of Uncertain Significance.

NM_001903.5(CTNNA1):c.469-2A>G

Gene: CTNNA1 (catenin alpha 1; plus strand). Cytogenetic location: 5q31.2.
Variant type: single nucleotide variant.
Coding change: c.469-2A>G on transcript NM_001903.5 (MANE Select); the canonical splice acceptor site of the intron before coding-DNA position 469, A replaced by G.
Molecular consequence: splice acceptor variant.
Genome position (GRCh38, 1-based): chr5:138,812,181, A>G. VCF-style: chr5-138812181-A-G. GRCh37 (hg19) VCF-style: chr5-138147870-A-G.
Other names: c.469-2A>G (NM_001903.2, NM_001323982.2, NM_001323984.2 and 4 more transcripts); c.100-2A>G (NM_001290310.3); c.160-2A>G (NM_001290309.3).
Identifiers: ClinVar variation 1354711 (VCV001354711.9), dbSNP rs2149736489, ClinGen allele CA361124773.
Genomic context (GRCh38, chr5:138,812,181, plus strand): 5'-CCATCTTCTTTACAGACCTACATTCAGAATTTTTGGGTTTTGGGGTCTTTCTTATTTTAT[A>G]GGTGGAAGATGGTATCTTGAAGTTGAGGAATGCTGGCAATGAACAAGACTTAGGAATCCA-3'